The following is an entry in ClinVar:

ClinVar aggregate classification (germline): Uncertain significance. Review status: criteria provided, multiple submitters, no conflicts (2 of 4 stars). 5 submissions from 5 submitters: Uncertain significance (4). 1 of the submissions does not count toward it. Last evaluated 2024-12-16.

Conditions:
Hereditary cancer-predisposing syndrome. Also called: Hereditary neoplastic syndrome; Tumor predisposition; Hereditary Cancer Syndrome; Neoplastic Syndromes, Hereditary. Identifiers: Orphanet 140162, MedGen C0027672, MeSH D009386, MONDO:0015356.
Breast-ovarian cancer, familial, susceptibility to, 2 (BROVCA2). Also called: BRCA2 Hereditary Breast and Ovarian Cancer. Identifiers: Orphanet 145, MedGen C2675520, MONDO:0012933, OMIM 612555. Disease mechanism: loss of function.
Hereditary breast ovarian cancer syndrome. Also called: BRCA1- and BRCA2-Associated Hereditary Breast and Ovarian Cancer; Hereditary breast and/or ovarian cancer syndrome; Hereditary breast and ovarian cancer syndrome (HBOC); Breast and ovarian cancer; Hereditary breast and ovarian cancer; Hereditary breast and ovarian cancer syndrome. Identifiers: Orphanet 145, MedGen C0677776, MeSH D061325, MONDO:0003582. Disease mechanism: loss of function.

Allele frequency attached by ClinVar (database versions not stated): gnomAD exomes below 0.00001 and 0.00001; gnomAD 0.00001.
gnomAD v4.1: 9 of 1,614,068 alleles (0.00056%); highest among the groups gnomAD compares: South Asian, 0.0033%; no homozygotes.

Submissions (5):

Labcorp Genetics (formerly Invitae), Labcorp
Classification: Uncertain significance for Hereditary breast ovarian cancer syndrome. Last evaluated: 2024-12-16. Review status: criteria provided, single submitter. Criteria: Invitae Variant Classification Sherloc (09022015). Collection method: clinical testing. Allele origin: germline.
Comment: This sequence change replaces lysine, which is basic and polar, with glutamic acid, which is acidic and polar, at codon 3314 of the BRCA2 protein (p.Lys3314Glu). This variant is present in population databases (no rsID available, gnomAD 0.006%). This variant has not been reported in the literature in individuals affected with BRCA2-related conditions. ClinVar contains an entry for this variant (Variation ID: 575895). Invitae Evidence Modeling of protein sequence and biophysical properties (such as structural, functional, and spatial information, amino acid conservation, physicochemical variation, residue mobility, and thermodynamic stability) indicates that this missense variant is not expected to disrupt BRCA2 protein function with a negative predictive value of 95%. In summary, the available evidence is currently insufficient to determine the role of this variant in disease. Therefore, it has been classified as a Variant of Uncertain Significance.

Color Diagnostics, LLC DBA Color Health
Classification: Uncertain significance for Hereditary cancer-predisposing syndrome. Last evaluated: 2022-12-05. Review status: criteria provided, single submitter. Criteria: ACMG Guidelines, 2015. Collection method: clinical testing. Allele origin: germline.
Comment: This missense variant replaces lysine with glutamic acid at codon 3314 of the BRCA2 protein. Computational prediction suggests that this variant may not impact protein structure and function (internally defined REVEL score threshold <= 0.5, PMID: 27666373). To our knowledge, functional studies have not been reported for this variant. This variant has been reported in one individual affected with breast cancer (PMID: 33471991; Leiden Open Variation Database DB-ID BRCA2_008809). This variant has been identified in 2/251244 chromosomes in the general population by the Genome Aggregation Database (gnomAD). The available evidence is insufficient to determine the role of this variant in disease conclusively. Therefore, this variant is classified as a Variant of Uncertain Significance.

GeneDx
Classification: Uncertain significance. Last evaluated: 2020-10-27. Review status: criteria provided, single submitter. Criteria: GeneDx Variant Classification Process June 2021. Collection method: clinical testing. Allele origin: germline. Affected: yes.
Comment: Not observed at a significant frequency in large population cohorts (Lek 2016); In silico analysis supports that this missense variant does not alter protein structure/function; Published functional studies of this variant in conjunction with other missense variants are inconclusive: intermediate response to DNA damage (Ghosh 2015); Also known as 10168A>G; This variant is associated with the following publications: (PMID: 25451944)

Ambry Genetics
Classification: Uncertain significance for Hereditary cancer-predisposing syndrome. Last evaluated: 2020-01-16. Review status: criteria provided, single submitter. Criteria: Ambry Variant Classification Scheme 2023. Collection method: clinical testing. Allele origin: germline.
Comment: The p.K3314E variant (also known as c.9940A>G), located in coding exon 26 of the BRCA2 gene, results from an A to G substitution at nucleotide position 9940. The lysine at codon 3314 is replaced by glutamic acid, an amino acid with similar properties. This amino acid position is not well conserved in available vertebrate species. In addition, this alteration is predicted to be tolerated by in silico analysis. Since supporting evidence is limited at this time, the clinical significance of this alteration remains unclear.

BRCAlab, Lund University
Classification: Uncertain significance for Breast-ovarian cancer, familial, susceptibility to, 2. Last evaluated: 2020-03-02. Review status: no assertion criteria provided. Collection method: clinical testing. Allele origin: germline. Affected: yes. Not counted in ClinVar's aggregate classification.

Literature cited by the submitters: PubMed 33471991 (cited by Color Diagnostics, LLC DBA Color Health).

NM_000059.4(BRCA2):c.9940A>G (p.Lys3314Glu)

Gene: BRCA2 (BRCA2 DNA repair associated; plus strand). Cytogenetic location: 13q13.1.
Variant type: single nucleotide variant.
Coding change: c.9940A>G on transcript NM_000059.4 (MANE Select); coding-DNA position 9940, A replaced by G.
Protein change: p.Lys3314Glu; replaces lysine 3314 with glutamic acid.
Molecular consequence: missense variant.
Genome position (GRCh38, 1-based): chr13:32,398,453, A>G. VCF-style: chr13-32398453-A-G. GRCh37 (hg19) VCF-style: chr13-32972590-A-G.
Other names: short protein forms K3314E.
Identifiers: ClinVar variation 575895 (VCV000575895.17), dbSNP rs1235811079, ClinGen allele CA387767214.